The following is an entry in ClinVar:

ClinVar aggregate classification (germline): Pathogenic. Review status: reviewed by expert panel (3 of 4 stars). 3 submissions from 3 submitters: Pathogenic (1). 2 of the submissions do not count toward it. Last evaluated 2025-06-17.

Conditions:
Glycogen storage disease, type II (IOPD). Also called: CARDIOMEGALIA GLYCOGENICA DIFFUSA; GLYCOGENOSIS, GENERALIZED, CARDIAC FORM; GSD II; Glycogen storage disease type 2; Acid maltase deficiency disease; Aglucosidase alfa. Identifiers: Orphanet 365, MedGen C0017921, MONDO:0009290, OMIM 232300.

Submissions (3):

ClinGen Lysosomal Storage Disorder Variant Curation Expert Panel
Classification: Pathogenic for Glycogen storage disease, type II. Last evaluated: 2025-06-17. Review status: reviewed by expert panel. Criteria: clingen_lsd_acmg_specifications_v2-1. Collection method: curation. Allele origin: germline. Inheritance: Autosomal recessive inheritance.
Comment: The NM_000152.5:c.742del (p.Leu248CysfsTer20) variant in GAA is a frameshift variant predicted to cause a premature stop codon in biologically-relevant-exon 4/20, leading to nonsense mediated decay in a gene in which loss-of-function is an established disease mechanism (PVS1). At least 3 probands with this variant have been reported with Pompe disease (2 with IOPD, and 1 with LOPD). One of the probands with IOPD was reported to have hypertrophic cardiomyopathy, muscle weakness, was on enzyme replacement therapy for Pompe disease, and was noted to have deficient GAA activity but results were not provided (PMID: 29422078). GAA activity and clinical details were not provided for the other proband reported to have IOPD (PMID: 18429042) or the proband reported to have LOPD (PMID: 29122469) (PP4_Moderate). Two of these probands are compound heterozygous, phase unconfirmed, for the variant and another variant in GAA that has been classified as pathogenic by the ClinGen LD VCEP, either c.-32-13T>G (PMID: 29122469) or c.896T>C (p.Leu299Pro) (PMID: 29422078) (PM3). This variant is absent in gnomAD v4.1.0. (PM2_Supporting). There is a ClinVar entry for this variant (Variation ID: 2683630). In summary, this variant meets the criteria to be classified as pathogenic for Pompe disease based on the ACMG/AMP criteria applied, as specified by the ClinGen Lysosomal Diseases Variant Curation Expert panel (Specifications Version 2.0.0): PVS1, PM2_Supporting, PM3, PP4_Moderate. (Classification approved by the ClinGen Lysosomal Diseases Variant Curation Expert Panel on June 17, 2025)

Genomenon, Inc
Classification: Pathogenic for Glycogen storage disease, type II. Last evaluated: 2026-07-01. Review status: criteria provided, single submitter. Criteria: Genomenon Sequence Variant Interpretation Standards - Updated. Collection method: curation. Allele origin: germline. Affected: yes. Not counted in ClinVar's aggregate classification.
Comment: GAA p.Leu248CysfsTer20 (c.742del) is a frameshift variant that is predicted to introduce a premature termination codon and result in a truncated or absent protein product. This variant has been observed in at least one proband with a GAA-related disorder (PMID:29422078;18429042). It is absent or not present at a significant frequency in gnomAD. In conclusion, we classify GAA p.Leu248CysfsTer20 (c.742del) as a pathogenic variant.

Mayo Clinic Laboratories, Mayo Clinic
Classification: Pathogenic. Last evaluated: 2023-06-20. Review status: criteria provided, single submitter. Criteria: ACMG Guidelines, 2015. Collection method: clinical testing. Allele origin: germline. Observed: 1 variant allele. Not counted in ClinVar's aggregate classification.
Comment: PP4, PM2, PM3_supporting, PVS1

Literature cited by the submitters: PubMed 29422078 (cited by Genomenon, Inc and Mayo Clinic Laboratories, Mayo Clinic); PubMed 18429042 (cited by Genomenon, Inc and Mayo Clinic Laboratories, Mayo Clinic); PubMed 29122469 (cited by Mayo Clinic Laboratories, Mayo Clinic); PubMed 31254424 (cited by Mayo Clinic Laboratories, Mayo Clinic).

NM_000152.5(GAA):c.742del (p.Leu248fs)

Gene: GAA (alpha glucosidase; plus strand). Cytogenetic location: 17q25.3.
Variant type: Deletion.
Coding change: c.742del on transcript NM_000152.5 (MANE Select); coding-DNA position 742, one base deleted (C; older notation c.742delC).
Protein change: p.Leu248fs; shifts the reading frame from leucine 248.
Molecular consequence: frameshift variant.
Genome position (GRCh38, 1-based): chr17:80,107,606, C deleted. VCF-style (leftmost placement, unchanged base first): chr17-80107605-GC-G. GRCh37 (hg19) VCF-style: chr17-78081404-GC-G.
Other names: p.Leu248Cysfs*20; NM_000152.5(GAA):c.742del; p.Leu248fs; c.742del, p.Leu248fs (NM_001079803.3, NM_001079804.3, NM_001406741.1 and 1 more transcripts); short protein forms L248fs.
Identifiers: ClinVar variation 2683630 (VCV002683630.2), dbSNP rs2510357615, ClinGen allele CA658795236.